The following is an entry in ClinVar:

ClinVar aggregate classification (germline): Uncertain significance (1 of 4 stars; one submission).

Conditions:
Koolen-de Vries syndrome (KDVS). Identifiers: Orphanet 96169, MedGen C1864871, MONDO:0012496, OMIM 610443.

gnomAD v4.1: 4 of 1,581,218 alleles (0.00025%); highest among the groups gnomAD compares: Non-Finnish European, 0.00034%; no homozygotes.

Submission:

Labcorp Genetics (formerly Invitae), Labcorp
Classification: Uncertain significance for Koolen-de Vries syndrome. Last evaluated: 2025-03-15. Review status: criteria provided, single submitter. Criteria: Invitae Variant Classification Sherloc (09022015). Collection method: clinical testing. Allele origin: germline.
Comment: This sequence change replaces proline, which is neutral and non-polar, with leucine, which is neutral and non-polar, at codon 969 of the KANSL1 protein (p.Pro969Leu). This variant is not present in population databases (gnomAD no frequency). This variant has not been reported in the literature in individuals affected with KANSL1-related conditions. Invitae Evidence Modeling of protein sequence and biophysical properties (such as structural, functional, and spatial information, amino acid conservation, physicochemical variation, residue mobility, and thermodynamic stability) has been performed for this missense variant. However, the output from this modeling did not meet the statistical confidence thresholds required to predict the impact of this variant on KANSL1 protein function. In summary, the available evidence is currently insufficient to determine the role of this variant in disease. Therefore, it has been classified as a Variant of Uncertain Significance.

NM_015443.4(KANSL1):c.2906C>T (p.Pro969Leu)

Gene: KANSL1 (KAT8 regulatory NSL complex subunit 1). Cytogenetic location: 17q21.31.
Variant type: single nucleotide variant.
Coding change: c.2906C>T on transcript NM_015443.4 (MANE Select); coding-DNA position 2906, C replaced by T.
Protein change: p.Pro969Leu; replaces proline 969 with leucine.
Molecular consequence: missense variant. On other transcripts: intron variant (4).
Genome position (GRCh38, 1-based): chr17:46,032,231, G>A on the plus strand (C>T on the coding strand, the complement: KANSL1 is on the minus strand). VCF-style: chr17-46032231-G-A. GRCh37 (hg19) VCF-style: chr17-44109597-G-A.
Other names: c.2838-64C>T (NM_001405873.1, NM_001405872.1, NM_001405874.1); c.2903C>T, p.Pro968Leu (NM_001193465.2, NM_001405856.1, NM_001405857.1 and 1 more transcripts); c.2906C>T, p.Pro969Leu (NM_001193466.2, NM_001379198.1, NM_001405854.1 and 1 more transcripts); c.2804C>T, p.Pro935Leu (NM_001405859.1, NM_001405860.1); c.2801C>T, p.Pro934Leu (NM_001405861.1); c.2717C>T, p.Pro906Leu (NM_001405875.1, NM_001405876.1, NM_001405877.1 and 1 more transcripts); c.2714C>T, p.Pro905Leu (NM_001405879.1, NM_001405880.1); c.1640C>T, p.Pro547Leu (NM_001405882.1); and 4 more; short protein forms P547L, P483L, P546L, P905L, P969L, P906L, P934L, P935L.
Identifiers: ClinVar variation 4740520 (VCV004740520.1).